The following is an entry in ClinVar:

NM_000059.4(BRCA2):c.56G>C (p.Cys19Ser)

Gene: BRCA2 (BRCA2 DNA repair associated; plus strand). Cytogenetic location: 13q13.1.
Variant type: single nucleotide variant.
Coding change: c.56G>C on transcript NM_000059.4 (MANE Select); coding-DNA position 56, G replaced by C.
Protein change: p.Cys19Ser; replaces cysteine 19 with serine.
Molecular consequence: missense variant.
Genome position (GRCh38, 1-based): chr13:32,316,516, G>C. VCF-style: chr13-32316516-G-C. GRCh37 (hg19) VCF-style: chr13-32890653-G-C.
Other names: c.56G>C, p.Cys19Ser (NM_001406719.1, NM_001406720.1, NM_001406721.1); short protein forms C19S.
Identifiers: ClinVar variation 1749161 (VCV001749161.2), dbSNP rs1370260227, ClinGen allele CA387753082.
Genomic context (GRCh38, chr13:32,316,516, plus strand): 5'-TAAAAATGCCTATTGGATCCAAAGAGAGGCCAACATTTTTTGAAATTTTTAAGACACGCT[G>C]CAACAAAGCAGGTATTGACAAATTTTATATAACTTTATAAATTACACCGAGAAAGTGTTT-3'
Protein context (NP_000050.3, residues 9-29): PTFFEIFKTR[Cys19Ser]NKADLGPISL

ClinVar aggregate classification (germline): Uncertain significance (1 of 4 stars; one submission).

Conditions:
Hereditary cancer-predisposing syndrome. Also called: Hereditary Cancer Syndrome; Hereditary neoplastic syndrome; Neoplastic Syndromes, Hereditary; Tumor predisposition. Identifiers: Orphanet 140162, MedGen C0027672, MeSH D009386, MONDO:0015356.

Submission:

Ambry Genetics
Classification: Uncertain significance for Hereditary cancer-predisposing syndrome. Last evaluated: 2020-11-16. Review status: criteria provided, single submitter. Criteria: Ambry Variant Classification Scheme 2023. Collection method: clinical testing. Allele origin: germline.
Comment: The p.C19S variant (also known as c.56G>C), located in coding exon 1 of the BRCA2 gene, results from a G to C substitution at nucleotide position 56. The cysteine at codon 19 is replaced by serine, an amino acid with dissimilar properties. This amino acid position is highly conserved in available vertebrate species. In addition, the in silico prediction for this alteration is inconclusive. Since supporting evidence is limited at this time, the clinical significance of this alteration remains unclear.